The following is an entry in ClinVar:

ClinVar aggregate classification (germline): Benign. Review status: criteria provided, multiple submitters, no conflicts (2 of 4 stars). 4 submissions from 4 submitters: Benign (4). Last evaluated 2026-02-02.

Conditions:
Saldino-Mainzer syndrome (SRTD9). Also called: Renal dysplasia, retinal pigmentary dystrophy, cerebellar ataxia and skeletal dysplasia; SHORT-RIB THORACIC DYSPLASIA 9 WITHOUT POLYDACTYLY; CONORENAL SYNDROME; short-rib thoracic dysplasia 9 with or without polydactyly. Identifiers: Orphanet 140969, MedGen C1849437, MONDO:0009964, OMIM 266920.

Allele frequency attached by ClinVar (database versions not stated): gnomAD exomes 0.00231; gnomAD 0.02054 and 0.02210; ESP Exome Variant Server 0.02316; TOPMed 0.02382; 1000 Genomes Project 0.02516; 1000 Genomes Project 30x 0.02701.
gnomAD v4.1: 6,645 of 1,613,742 alleles (0.41%); highest among the groups gnomAD compares: African/African-American, 7.1%; 222 homozygotes.

Submissions (4):

Labcorp Genetics (formerly Invitae), Labcorp
Classification: Benign for Saldino-Mainzer syndrome. Last evaluated: 2026-02-02. Review status: criteria provided, single submitter. Criteria: Invitae Variant Classification Sherloc (09022015). Collection method: clinical testing. Allele origin: germline.

GeneDx
Classification: Benign. Last evaluated: 2021-05-04. Review status: criteria provided, single submitter. Criteria: GeneDx Variant Classification Process June 2021. Collection method: clinical testing. Allele origin: germline. Affected: yes.

Illumina Laboratory Services, Illumina
Classification: Benign for Saldino-Mainzer syndrome. Last evaluated: 2018-01-13. Review status: criteria provided, single submitter. Criteria: ICSL Variant Classification Criteria 13 December 2019. Collection method: clinical testing. Allele origin: germline.
Comment: This variant was observed in the ICSL laboratory as part of a predisposition screen in an ostensibly healthy population. It had not been previously curated by ICSL or reported in the Human Gene Mutation Database (HGMD: prior to June 1st, 2018), and was therefore a candidate for classification through an automated scoring system. Utilizing variant allele frequency, disease prevalence and penetrance estimates, and inheritance mode, an automated score was calculated to assess if this variant is too frequent to cause the disease. Based on the score and internal cut-off values, a variant classified as benign is not then subjected to further curation. The score for this variant resulted in a classification of benign for this disease.

Breakthrough Genomics
Classification: Benign. Review status: criteria provided, single submitter. Criteria: ACMG Guidelines, 2015. Collection method: not provided. Allele origin: germline. Inheritance: Autosomal recessive inheritance. Affected: yes.

NM_014714.4(IFT140):c.839G>A (p.Arg280Gln)

Genes: IFT140 (intraflagellar transport 140; minus strand), LOC105371046 (uncharacterized LOC105371046; plus strand). Cytogenetic location: 16p13.3.
Variant type: single nucleotide variant.
Coding change: c.839G>A on transcript NM_014714.4 (MANE Select); coding-DNA position 839, G replaced by A.
Protein change: p.Arg280Gln; replaces arginine 280 with glutamine.
Molecular consequence: missense variant.
Genome position (GRCh38, 1-based): chr16:1,587,996, C>T on the plus strand (G>A on the coding strand, the complement: IFT140 is on the minus strand). VCF-style: chr16-1587996-C-T. GRCh37 (hg19) VCF-style: chr16-1637997-C-T.
Other names: short protein forms R280Q.
Identifiers: ClinVar variation 318201 (VCV000318201.18), dbSNP rs35404373, ClinGen allele CA7814536.